The following is an entry in ClinVar:

NM_006118.4(HAX1):c.556+1del

Gene: HAX1 (HCLS1 associated protein X-1; plus strand). Cytogenetic location: 1q21.3.
Variant type: Deletion.
Coding change: c.556+1del on transcript NM_006118.4 (MANE Select); the canonical splice donor site of the intron after coding-DNA position 556, one base deleted (G; older notation c.556+1delG).
Molecular consequence: splice donor variant.
Genome position (GRCh38, 1-based): chr1:154,275,002, G deleted; the last of 2 consecutive G bases (chr1:154,275,001-154,275,002); deleting either gives the same sequence. VCF-style (leftmost placement, unchanged base first): chr1-154275000-TG-T. GRCh37 (hg19) VCF-style: chr1-154247476-TG-T.
Other names: NC_000001.10:g.154247478del; c.412+1del (NM_001018837.2).
Identifiers: ClinVar variation 1453309 (VCV001453309.7), dbSNP rs2149140495, ClinGen allele CA2573130552.

ClinVar aggregate classification (germline): Pathogenic (1 of 4 stars; one submission).

Conditions:
Kostmann syndrome (SCN3). Also called: Autosomal recessive severe congenital neutropenia type 3; KOSTMANN DISEASE. Identifiers: Orphanet 99749, MedGen C5235141, MONDO:0012548, OMIM 610738.

Submissions (2):

Labcorp Genetics (formerly Invitae), Labcorp
Classification: Pathogenic for Kostmann syndrome. Last evaluated: 2022-02-28. Review status: criteria provided, single submitter. Criteria: Invitae Variant Classification Sherloc (09022015). Collection method: clinical testing. Allele origin: germline.
Comment: This sequence change creates a premature translational stop signal (p.Asp186Ilefs*28) in the HAX1 gene. It is expected to result in an absent or disrupted protein product. Loss-of-function variants in HAX1 are known to be pathogenic (PMID: 17187068). This variant is not present in population databases (gnomAD no frequency). This variant has not been reported in the literature in individuals affected with HAX1-related conditions. Algorithms developed to predict the effect of sequence changes on RNA splicing suggest that this variant may disrupt the consensus splice site. For these reasons, this variant has been classified as Pathogenic.

Dr. Peter K. Rogan Lab, Western University
No classification provided (evidence only). Condition: Hepatocellular carcinoma. Review status: no classification provided. Collection method: in vitro. Allele origin: not applicable. Functional consequence: retained intron. Not counted in ClinVar's aggregate classification.

Literature cited by the submitters: PubMed 17187068 (cited by Labcorp Genetics (formerly Invitae), Labcorp).